The following is an entry in ClinVar:

ClinVar aggregate classification (germline): Uncertain significance (1 of 4 stars; one submission).

Conditions:
Fanconi anemia complementation group J. Also called: BRIP1-Related Fanconi Anemia. Identifiers: Orphanet 84, MedGen C1836860, MONDO:0012187, OMIM 609054.
Familial cancer of breast. Also called: BREAST CANCER, FAMILIAL; hereditary breast carcinoma; Hereditary breast cancer. Identifiers: Orphanet 227535, MedGen C0346153, MONDO:0016419, OMIM 114480. Disease mechanism: loss of function.

Submission:

Labcorp Genetics (formerly Invitae), Labcorp
Classification: Uncertain significance for Familial cancer of breast; Fanconi anemia complementation group J. Last evaluated: 2024-07-19. Review status: criteria provided, single submitter. Criteria: Invitae Variant Classification Sherloc (09022015). Collection method: clinical testing. Allele origin: germline.
Comment: This sequence change falls in intron 13 of the BRIP1 gene. It does not directly change the encoded amino acid sequence of the BRIP1 protein. It affects a nucleotide within the consensus splice site. This variant is not present in population databases (gnomAD no frequency). This variant has not been reported in the literature in individuals affected with BRIP1-related conditions. ClinVar contains an entry for this variant (Variation ID: 530308). Variants that disrupt the consensus splice site are a relatively common cause of aberrant splicing (PMID: 17576681, 9536098). Algorithms developed to predict the effect of sequence changes on RNA splicing suggest that this variant may disrupt the consensus splice site. In summary, the available evidence is currently insufficient to determine the role of this variant in disease. Therefore, it has been classified as a Variant of Uncertain Significance.

Literature cited by the submitters: PubMed 17576681; PubMed 9536098.

NM_032043.3(BRIP1):c.1935+6T>C

Gene: BRIP1 (BRCA1 interacting DNA helicase 1; minus strand). Cytogenetic location: 17q23.2.
Variant type: single nucleotide variant.
Coding change: c.1935+6T>C on transcript NM_032043.3 (MANE Select); 6 bases into the intron after coding-DNA position 1935, T replaced by C.
Molecular consequence: intron variant.
Genome position (GRCh38, 1-based): chr17:61,780,255, A>G on the plus strand (T>C on the coding strand, the complement: BRIP1 is on the minus strand). VCF-style: chr17-61780255-A-G. GRCh37 (hg19) VCF-style: chr17-59857616-A-G.
Identifiers: ClinVar variation 530308 (VCV000530308.11), dbSNP rs1555602118, ClinGen allele CA658798936.